The following is an entry in ClinVar:

NM_000182.5(HADHA):c.2131C>T (p.Pro711Ser)

Genes: HADHA (hydroxyacyl-CoA dehydrogenase trifunctional multienzyme complex subunit alpha; minus strand), GAREM2 (GRB2 associated regulator of MAPK1 subtype 2; plus strand). Cytogenetic location: 2p23.3.
Variant type: single nucleotide variant.
Coding change: c.2131C>T on transcript NM_000182.5 (MANE Select); coding-DNA position 2131, C replaced by T.
Protein change: p.Pro711Ser; replaces proline 711 with serine.
Molecular consequence: missense variant.
Genome position (GRCh38, 1-based): chr2:26,191,498, G>A on the plus strand (C>T on the coding strand, the complement: HADHA is on the minus strand). VCF-style: chr2-26191498-G-A. GRCh37 (hg19) VCF-style: chr2-26414367-G-A.
Other names: short protein forms P711S.
Identifiers: ClinVar variation 522963 (VCV000522963.5), dbSNP rs138966725, ClinGen allele CA346112552.

ClinVar aggregate classification (germline): Uncertain significance. Review status: criteria provided, multiple submitters, no conflicts (2 of 4 stars). 2 submissions from 2 submitters: Uncertain significance (2). Last evaluated 2026-03-27.

Conditions:
Mitochondrial trifunctional protein deficiency. Identifiers: Orphanet 746, MedGen C1969443, MONDO:0012172.
Long chain 3-hydroxyacyl-CoA dehydrogenase deficiency. Also called: Deficiency of long-chain 3-hydroxyacyl-coenzyme A dehydrogenase; LCHAD Deficiency. Identifiers: Orphanet 5, MedGen C3711645, MONDO:0012173, OMIM 609016.

gnomAD v4.1: 3 of 1,614,060 alleles (0.00019%); highest among the groups gnomAD compares: African/African-American, 0.004%; no homozygotes.

Submissions (2):

Myriad Genetics, Inc.
Classification: Uncertain significance for Long chain 3-hydroxyacyl-CoA dehydrogenase deficiency. Last evaluated: 2026-03-27. Review status: criteria provided, single submitter. Criteria: Myriad Autosomal Dominant, Autosomal Recessive and X-Linked Classification Criteria (2023). Collection method: clinical testing. Allele origin: unknown.
Comment: NM_000182.4(HADHA):c.2131C>T(P711S) is a missense variant classified as a variant of uncertain significance in the context of HADHA-related disorders. P711S has not been observed in cases with relevant disease. Relevant functional assessments of this variant are not available in the literature. P711S has not been observed in referenced population frequency databases. In summary, there is insufficient evidence to classify NM_000182.4(HADHA):c.2131C>T(P711S) as pathogenic or benign. Please note: this variant was assessed in the context of healthy population screening.

Genomic Research Center, Shahid Beheshti University of Medical Sciences
Classification: Uncertain significance for Mitochondrial trifunctional protein deficiency. Last evaluated: 2020-05-03. Review status: criteria provided, single submitter. Criteria: ACMG Guidelines, 2015. Collection method: clinical testing. Allele origin: unknown.